The following is an entry in ClinVar:

ClinVar aggregate classification (germline): Likely pathogenic (1 of 4 stars; one submission).

Conditions:
Sotos syndrome (SOTOS). Also called: CHROMOSOME 5q35 DELETION SYNDROME; CEREBRAL GIGANTISM; Sotos' syndrome; Distinctive facial appearance, overgrowth in childhood, and learning disabilities or delayed development; SOTOS SYNDROME 1. Identifiers: Orphanet 821, MedGen C0175695, MONDO:0019349, OMIM 117550.

Submission:

3billion
Classification: Likely pathogenic for Sotos syndrome. Last evaluated: 2025-12-05. Review status: criteria provided, single submitter. Criteria: ACMG Guidelines, 2015. Collection method: clinical testing. Allele origin: germline. Affected: yes.
Comment: The variant is not observed in the gnomAD v4.1.0 dataset. Predicted Consequence/Location: Frameshift: predicted to result in a loss or disruption of normal protein function through nonsense-mediated decay (NMD) or protein truncation. Multiple pathogenic variants are reported downstream of the variant. Therefore, this variant is classified as Likely pathogenic according to the recommendation of ACMG/AMP guideline.

NM_022455.5(NSD1):c.5397del (p.Phe1799fs)

Genes: NSD1 (nuclear receptor binding SET domain protein 1; plus strand), LOC126807619 (MED14-independent group 3 enhancer GRCh37_chr5:176696443-176697642; plus strand). Cytogenetic location: 5q35.3.
Variant type: Deletion.
Coding change: c.5397del on transcript NM_022455.5 (MANE Select); coding-DNA position 5397, one base deleted (T; older notation c.5397delT).
Protein change: p.Phe1799fs; shifts the reading frame from phenylalanine 1799.
Molecular consequence: frameshift variant.
Genome position (GRCh38, 1-based): chr5:177,269,695, T deleted; the last of 6 consecutive T bases (chr5:177,269,690-177,269,695); deleting any one gives the same sequence. VCF-style (leftmost placement, unchanged base first): chr5-177269689-CT-C. GRCh37 (hg19) VCF-style: chr5-176696690-CT-C.
Other names: c.4524del, p.Phe1508fs (NM_001365684.2, NM_001409308.1, NM_001409309.1 and 1 more transcripts); c.5397del, p.Phe1799fs (NM_001409301.1, NM_001409302.1, NM_001409303.1); c.4977del, p.Phe1659fs (NM_001409304.1); c.4644del, p.Phe1548fs (NM_001409305.1); c.4635del, p.Phe1545fs (NM_001409306.1, NM_001409307.1); short protein forms F1508fs, F1545fs, F1548fs, F1659fs, F1799fs.
Identifiers: ClinVar variation 4855787 (VCV004855787.1).